The following is an entry in ClinVar:

NM_000277.3(PAH):c.394G>A (p.Ala132Thr)

Gene: PAH (phenylalanine hydroxylase; minus strand). Cytogenetic location: 12q23.2.
Variant type: single nucleotide variant.
Coding change: c.394G>A on transcript NM_000277.3 (MANE Select); coding-DNA position 394, G replaced by A.
Protein change: p.Ala132Thr; replaces alanine 132 with threonine.
Molecular consequence: missense variant.
Genome position (GRCh38, 1-based): chr12:102,877,509, C>T on the plus strand (G>A on the coding strand, the complement: PAH is on the minus strand). VCF-style: chr12-102877509-C-T. GRCh37 (hg19) VCF-style: chr12-103271287-C-T.
Other names: c.394G>A, p.Ala132Thr (NM_001354304.2); short protein forms A132T.
Identifiers: ClinVar variation 4698131 (VCV004698131.1).

ClinVar aggregate classification (germline): Uncertain significance (1 of 4 stars; one submission).

Conditions:
Phenylketonuria (PKU). Also called: FOLLING DISEASE; OLIGOPHRENIA PHENYLPYRUVICA; Phenylketonurias; Phenylketonuria (PKU). Identifiers: Orphanet 716, MedGen C0031485, MONDO:0009861, OMIM 261600. Disease mechanism: loss of function.

gnomAD v4.1: 1 of 1,614,048 alleles (0.000062%); highest among the groups gnomAD compares: African/African-American, 0.0013%; no homozygotes.

Submission:

Labcorp Genetics (formerly Invitae), Labcorp
Classification: Uncertain significance for Phenylketonuria. Last evaluated: 2025-11-18. Review status: criteria provided, single submitter. Criteria: Invitae Variant Classification Sherloc (09022015). Collection method: clinical testing. Allele origin: germline.
Comment: This sequence change replaces alanine, which is neutral and non-polar, with threonine, which is neutral and polar, at codon 132 of the PAH protein (p.Ala132Thr). This variant is present in population databases (no rsID available, gnomAD no frequency). This missense change has been observed in individual(s) with a positive newborn screening result for PAH-related disease (internal data). Invitae Evidence Modeling of protein sequence and biophysical properties (such as structural, functional, and spatial information, amino acid conservation, physicochemical variation, residue mobility, and thermodynamic stability) indicates that this missense variant is not expected to disrupt PAH protein function with a negative predictive value of 80%. This variant disrupts the p.Ala132 amino acid residue in PAH. Other variant(s) that disrupt this residue have been determined to be pathogenic (PMID: 9860305, 32668217, 33803550). This suggests that this residue is clinically significant, and that variants that disrupt this residue are likely to be disease-causing. In summary, the available evidence is currently insufficient to determine the role of this variant in disease. Therefore, it has been classified as a Variant of Uncertain Significance.

Literature cited by the submitters: PubMed 9860305; PubMed 32668217; PubMed 33803550.